The following is an entry in ClinVar:

ClinVar aggregate classification (germline): Conflicting classifications of pathogenicity. Review status: criteria provided, conflicting classifications (1 of 4 stars). 17 submissions from 17 submitters: Uncertain significance (6); Benign (2); Likely benign (4). 5 of the submissions do not count toward it. Last evaluated 2026-01-28.

Conditions:
SACS-related disorder. Also called: SACS-related condition.
Spastic paraplegia. Identifiers: MedGen C0037772, HP:0001258.
Hereditary spastic paraplegia. Also called: Familial spastic paraparesis. Identifiers: Orphanet 685, MedGen C0037773, MONDO:0019064. Disease mechanism: loss of function.
Charlevoix-Saguenay spastic ataxia (SACS). Also called: AUTOSOMAL RECESSIVE SPASTIC ATAXIA OF CHARLEVOIX-SAGUENAY; SPASTIC ATAXIA 6, AUTOSOMAL RECESSIVE; Spastic ataxia of Charlevoix-Saguenay. Identifiers: Orphanet 98, MedGen C1849140, MONDO:0010041, OMIM 270550.
Intellectual disability. Also called: Intellectual functioning disability; intellectual disabilities; Intellectual developmental disorder. Identifiers: MedGen C3714756, MeSH D008607, MONDO:0001071, HP:0001249.

Allele frequency attached by ClinVar (database versions not stated): 1000 Genomes Project 0.00020; 1000 Genomes Project 30x 0.00031; gnomAD 0.00117 and 0.00131; ExAC 0.00124; TOPMed 0.00156; ESP Exome Variant Server 0.00185.
gnomAD v4.1: 3,204 of 1,614,096 alleles (0.2%); highest among the groups gnomAD compares: Non-Finnish European, 0.25%; 4 homozygotes.

Submissions (17):

Labcorp Genetics (formerly Invitae), Labcorp
Classification: Likely benign for Spastic paraplegia. Last evaluated: 2026-01-28. Review status: criteria provided, single submitter. Criteria: Invitae Variant Classification Sherloc (09022015). Collection method: clinical testing. Allele origin: germline.

CeGaT Center for Human Genetics Tuebingen
Classification: Likely benign. Last evaluated: 2025-11-01. Review status: criteria provided, single submitter. Criteria: CeGaT Center For Human Genetics Tuebingen Variant Classification Criteria Version 2. Collection method: clinical testing. Allele origin: germline. Affected: yes. Observed: 5 variant alleles.
Comment: SACS: BP2, BS2

Women's Health and Genetics/Laboratory Corporation of America, LabCorp
Classification: Uncertain significance. Last evaluated: 2025-06-26. Review status: criteria provided, single submitter. Criteria: LabCorp Variant Classification Summary - May 2015. Collection method: clinical testing. Allele origin: germline.
Comment: Variant summary: SACS c.7528G>A (p.Ala2510Thr) results in a non-conservative amino acid change in the encoded protein sequence. Algorithms developed to predict the effect of missense changes on protein structure and function all suggest that this variant is likely to be disruptive. The variant allele was found at a frequency of 0.0012 in 251312 control chromosomes. This frequency is not significantly higher than estimated for a pathogenic variant in SACS causing Charlevoix-Saguenay spastic ataxia, allowing no conclusion about variant significance. To our knowledge, no occurrence of c.7528G>A in individuals affected with Charlevoix-Saguenay spastic ataxia and no experimental evidence demonstrating its impact on protein function have been reported. ClinVar contains an entry for this variant (Variation ID: 260399). Based on the evidence outlined above, the variant was classified as uncertain significance.

GeneDx
Classification: Uncertain significance. Last evaluated: 2025-03-13. Review status: criteria provided, single submitter. Criteria: GeneDx Variant Classification Process June 2021. Collection method: clinical testing. Allele origin: germline. Affected: yes.
Comment: Observed with two other SACS variants, phase unknown, in an individual with rigidity, bradykinesia, slow speech production, and abnormal brain MRI in the published literature (PMID: 29379980); In silico analysis indicates that this missense variant does not alter protein structure/function; This variant is associated with the following publications: (PMID: 23280630, 35008978, 29379980)

Blueprint Genetics
Classification: Uncertain significance. Last evaluated: 2024-11-20. Review status: criteria provided, single submitter. Criteria: ACMG Guidelines, 2015. Collection method: clinical testing. Allele origin: germline.

Mayo Clinic Laboratories, Mayo Clinic
Classification: Benign. Last evaluated: 2023-11-27. Review status: criteria provided, single submitter. Criteria: ACMG Guidelines, 2015. Collection method: clinical testing. Allele origin: germline. Observed: 7 variant alleles.
Comment: BA1, BS2, BP2

Athena Diagnostics
Classification: Benign. Last evaluated: 2023-10-16. Review status: criteria provided, single submitter. Criteria: Athena Diagnostics Criteria. Collection method: clinical testing. Allele origin: unknown.

Genome-Nilou Lab
Classification: Likely benign for Charlevoix-Saguenay spastic ataxia. Last evaluated: 2021-09-05. Review status: criteria provided, single submitter. Criteria: ACMG Guidelines, 2015. Collection method: clinical testing. Allele origin: germline. Affected: no.

Genome Diagnostics Laboratory, The Hospital for Sick Children
Classification: Uncertain significance for Hereditary spastic paraplegia. Last evaluated: 2021-07-21. Review status: criteria provided, single submitter. Criteria: ACMG Guidelines, 2015. Collection method: clinical testing. Allele origin: germline. Affected: yes.

Department of Pathology and Laboratory Medicine, Sinai Health System
Classification: Likely benign for Charlevoix-Saguenay spastic ataxia. Last evaluated: 2020-05-26. Review status: criteria provided, single submitter. Criteria: ACMG Guidelines, 2015. Collection method: research. Allele origin: germline.

Cambridge Genomics Laboratory, East Genomic Laboratory Hub, NHS Genomic Medicine Service
Classification: Uncertain significance for Intellectual disability. Last evaluated: 2019-11-28. Review status: criteria provided, single submitter. Criteria: ACGS Best Practice Guidelines for Variant Classification in Rare Disease 2020. Collection method: clinical testing. Allele origin: germline. Affected: yes. Observed: 1 variant allele.

Illumina Laboratory Services, Illumina
Classification: Uncertain significance for Charlevoix-Saguenay spastic ataxia. Last evaluated: 2018-01-13. Review status: criteria provided, single submitter. Criteria: ICSL Variant Classification Criteria 13 December 2019. Collection method: clinical testing. Allele origin: germline.

Natera, Inc.
Classification: Uncertain significance for Charlevoix-Saguenay type spastic ataxia. Last evaluated: 2020-01-10. Review status: no assertion criteria provided. Collection method: clinical testing. Allele origin: germline. Not counted in ClinVar's aggregate classification.

PreventionGenetics, part of Exact Sciences
Classification: Likely benign for SACS-related condition. Last evaluated: 2019-05-21. Review status: no assertion criteria provided. Collection method: clinical testing. Allele origin: germline. Not counted in ClinVar's aggregate classification.
Comment: This variant is classified as likely benign based on ACMG/AMP sequence variant interpretation guidelines (Richards et al. 2015 PMID: 25741868, with internal and published modifications).

Clinical Genetics DNA and cytogenetics Diagnostics Lab, Erasmus MC, Erasmus Medical Center
Classification: Uncertain significance. Review status: no assertion criteria provided. Collection method: clinical testing. Allele origin: germline. Affected: yes. Study: VKGL Data-share Consensus. Not counted in ClinVar's aggregate classification.

Diagnostic Laboratory, Department of Genetics, University Medical Center Groningen
Classification: Uncertain significance. Review status: no assertion criteria provided. Collection method: clinical testing. Allele origin: germline. Affected: yes. Study: VKGL Data-share Consensus. Not counted in ClinVar's aggregate classification.

Joint Genome Diagnostic Labs from Nijmegen and Maastricht, Radboudumc and MUMC+
Classification: Uncertain significance. Review status: no assertion criteria provided. Collection method: clinical testing. Allele origin: germline. Affected: yes. Study: VKGL Data-share Consensus. Not counted in ClinVar's aggregate classification.

Literature cited by the submitters: PubMed 23280630 (cited by Mayo Clinic Laboratories, Mayo Clinic); PubMed 29379980 (cited by Mayo Clinic Laboratories, Mayo Clinic and Athena Diagnostics); PubMed 35008978 (cited by Mayo Clinic Laboratories, Mayo Clinic).

NM_014363.6(SACS):c.7528G>A (p.Ala2510Thr)

Gene: SACS (sacsin molecular chaperone; minus strand). Cytogenetic location: 13q12.12.
Variant type: single nucleotide variant.
Coding change: c.7528G>A on transcript NM_014363.6 (MANE Select); coding-DNA position 7528, G replaced by A.
Protein change: p.Ala2510Thr; replaces alanine 2510 with threonine.
Molecular consequence: missense variant.
Genome position (GRCh38, 1-based): chr13:23,336,348, C>T on the plus strand (G>A on the coding strand, the complement: SACS is on the minus strand). VCF-style: chr13-23336348-C-T. GRCh37 (hg19) VCF-style: chr13-23910487-C-T.
Other names: c.7087G>A, p.Ala2363Thr (NM_001278055.2); short protein forms A2510T, A2363T.
Identifiers: ClinVar variation 260399 (VCV000260399.69), dbSNP rs111920492, ClinGen allele CA6910891.